The following is an entry in ClinVar:

ClinVar aggregate classification (germline): Benign/Likely benign. Review status: criteria provided, multiple submitters, no conflicts (2 of 4 stars). 8 submissions from 8 submitters: Benign (2); Likely benign (4). 2 of the submissions do not count toward it. Last evaluated 2026-09-01.

Conditions:
FLNB-Related Spectrum Disorders.

Allele frequency attached by ClinVar (database versions not stated): 1000 Genomes Project 30x 0.00062; 1000 Genomes Project 0.00080; gnomAD 0.00141 and 0.00142; gnomAD exomes 0.00143; TOPMed 0.00151; ExAC 0.00152; ESP Exome Variant Server 0.00177.
gnomAD v4.1: 2,883 of 1,614,030 alleles (0.18%); highest among the groups gnomAD compares: Middle Eastern, 0.3%; 5 homozygotes.

Submissions (8):

CeGaT Center for Human Genetics Tuebingen
Classification: Likely benign. Last evaluated: 2026-09-01. Review status: criteria provided, single submitter. Criteria: CeGaT Center For Human Genetics Tuebingen Variant Classification Criteria Version 2. Collection method: clinical testing. Allele origin: germline. Affected: yes. Observed: 2 variant alleles.
Comment: FLNB: BP4, BP7

Labcorp Genetics (formerly Invitae), Labcorp
Classification: Benign. Last evaluated: 2026-01-30. Review status: criteria provided, single submitter. Criteria: Invitae Variant Classification Sherloc (09022015). Collection method: clinical testing. Allele origin: germline.

Blueprint Genetics
Classification: Likely benign. Last evaluated: 2024-11-26. Review status: criteria provided, single submitter. Criteria: ACMG Guidelines, 2015. Collection method: clinical testing. Allele origin: germline.

GeneDx
Classification: Benign. Last evaluated: 2020-01-20. Review status: criteria provided, single submitter. Criteria: GeneDx Variant Classification Process June 2021. Collection method: clinical testing. Allele origin: germline. Affected: yes.

Illumina Laboratory Services, Illumina
Classification: Likely benign for FLNB-Related Spectrum Disorders. Last evaluated: 2018-01-13. Review status: criteria provided, single submitter. Criteria: ICSL Variant Classification Criteria 13 December 2019. Collection method: clinical testing. Allele origin: germline.
Comment: This variant was observed in the ICSL laboratory as part of a predisposition screen in an ostensibly healthy population. It had not been previously curated by ICSL or reported in the Human Gene Mutation Database (HGMD: prior to June 1st, 2018), and was therefore a candidate for classification through an automated scoring system. Utilizing variant allele frequency, disease prevalence and penetrance estimates, and inheritance mode, an automated score was calculated to assess if this variant is too frequent to cause the disease. Based on the score and internal cut-off values, a variant classified as likely benign is not then subjected to further curation. The score for this variant resulted in a classification of likely benign for this disease.

Breakthrough Genomics
Classification: Likely benign. Review status: criteria provided, single submitter. Criteria: ACMG Guidelines, 2015. Collection method: not provided. Allele origin: germline. Inheritance: Autosomal recessive inheritance. Affected: yes.

Clinical Genetics DNA and cytogenetics Diagnostics Lab, Erasmus MC, Erasmus Medical Center
Classification: Likely benign. Review status: no assertion criteria provided. Collection method: clinical testing. Allele origin: germline. Affected: yes. Study: VKGL Data-share Consensus. Not counted in ClinVar's aggregate classification.

Genome Diagnostics Laboratory, Amsterdam University Medical Center
Classification: Likely benign. Review status: no assertion criteria provided. Collection method: clinical testing. Allele origin: germline. Affected: yes. Study: VKGL Data-share Consensus. Not counted in ClinVar's aggregate classification.

NM_001457.4(FLNB):c.6741G>A (p.Ser2247=)

Gene: FLNB (filamin B; plus strand). Cytogenetic location: 3p14.3.
Variant type: single nucleotide variant.
Coding change: c.6741G>A on transcript NM_001457.4 (MANE Select); coding-DNA position 6741, G replaced by A.
Protein change: p.Ser2247=; no amino-acid change (serine 2247 retained).
Molecular consequence: synonymous variant.
Genome position (GRCh38, 1-based): chr3:58,154,897, G>A. VCF-style: chr3-58154897-G-A. GRCh37 (hg19) VCF-style: chr3-58140624-G-A.
Other names: c.6834G>A, p.Ser2278= (NM_001164317.2); c.6708G>A, p.Ser2236= (NM_001164318.2); c.6669G>A, p.Ser2223= (NM_001164319.2).
Identifiers: ClinVar variation 516325 (VCV000516325.47), dbSNP rs143400214, ClinGen allele CA2469476.
Genomic context (GRCh38, chr3:58,154,897, plus strand): 5'-CATCGCTGTTGAGGGCCCCAGTAAGGCCGAGATTACATTCGATGACCATAAAAATGGGTC[G>A]TGCGGTGTATCTTATATTGCCCAAGAGCCTGGTATGTATTCAGGGTTCACAAGAGGACAT-3'
Protein context (NP_001448.2, residues 2237-2257): EITFDDHKNG[Ser2247=]CGVSYIAQEP